The following is an entry in ClinVar:

ClinVar aggregate classification (germline): Uncertain significance. Review status: criteria provided, single submitter (1 of 4 stars). 2 submissions from 2 submitters: Uncertain significance (1). 1 of the submissions does not count toward it. Last evaluated 2021-09-07.

Conditions:
Cystic fibrosis (CF). Also called: MUCOVISCIDOSIS. Identifiers: Orphanet 586, MedGen C0010674, MONDO:0009061, OMIM 219700. Disease mechanism: loss of function.
CFTR-related disorder (CFTR-RD). Also called: CFTR-related condition; CFTR-related disorders. Identifiers: MedGen C5924204, MONDO:7770004.

Allele frequency attached by ClinVar (database versions not stated): 1000 Genomes Project 30x 0.00047; gnomAD 0.00361 and 0.00339; TOPMed 0.00303.
gnomAD v4.1: 513 of 152,064 alleles (0.34%); highest among the groups gnomAD compares: Non-Finnish European, 0.65%; 3 homozygotes.

Submissions (2):

Johns Hopkins Genomics, Johns Hopkins University
Classification: Uncertain significance for Cystic fibrosis. Last evaluated: 2021-09-07. Review status: criteria provided, single submitter. Criteria: ACMG Guidelines, 2015. Collection method: clinical testing. Allele origin: germline.
Comment: This intronic CFTR variant (rs35616800) is present in a large population dataset (gnomAD: 123/31336 total alleles; 0.4%; one homozygote). It has not been reported in ClinVar nor the literature, to our knowledge. Three bioinformatic tools predict that this variant may create a cryptic donor site, however, this has not been assessed experimentally to our knowledge. We consider the clinical significance of CFTR c.53+8298C>G to be uncertain at this time.

Natera, Inc.
Classification: Uncertain significance for CFTR-related disorders. Last evaluated: 2025-03-23. Review status: no assertion criteria provided. Collection method: clinical testing. Allele origin: germline. Not counted in ClinVar's aggregate classification.

NM_000492.4(CFTR):c.53+8298C>G

Gene: CFTR (CF transmembrane conductance regulator; plus strand). Cytogenetic location: 7q31.2.
Variant type: single nucleotide variant.
Coding change: c.53+8298C>G on transcript NM_000492.4 (MANE Select); 8298 bases into the intron after coding-DNA position 53, C replaced by G.
Molecular consequence: intron variant.
Genome position (GRCh38, 1-based): chr7:117,488,445, C>G. VCF-style: chr7-117488445-C-G. GRCh37 (hg19) VCF-style: chr7-117128499-C-G.
Identifiers: ClinVar variation 1275751 (VCV001275751.2), dbSNP rs35616800, ClinGen allele CA164953283.